The following is an entry in ClinVar:

ClinVar aggregate classification (germline): Uncertain significance (1 of 4 stars; one submission).

Conditions:
Autosomal dominant nocturnal frontal lobe epilepsy 5. Also called: CILIARY DYSKINESIA, PRIMARY, 28, WITHOUT SITUS INVERSUS; CILIARY DYSKINESIA, PRIMARY, 28, WITH SITUS INVERSUS; Epilepsy, nocturnal frontal lobe, 5; KCNT1-Related Epilepsy. Identifiers: Orphanet 98784, MedGen C3554306, MONDO:0014002, OMIM 615005.
Developmental and epileptic encephalopathy, 14 (DEE14). Also called: Early infantile epileptic encephalopathy 14. Identifiers: Orphanet 293181, MedGen C3554195, MONDO:0013989, OMIM 614959.

Allele frequency attached by ClinVar (database versions not stated): TOPMed below 0.00001; gnomAD 0.00001.
gnomAD v4.1: 8 of 1,613,616 alleles (0.0005%); highest among the groups gnomAD compares: Admixed American, 0.0017%; no homozygotes.

Submission:

Labcorp Genetics (formerly Invitae), Labcorp
Classification: Uncertain significance for Autosomal dominant nocturnal frontal lobe epilepsy 5; Developmental and epileptic encephalopathy, 14. Last evaluated: 2022-03-17. Review status: criteria provided, single submitter. Criteria: Invitae Variant Classification Sherloc (09022015). Collection method: clinical testing. Allele origin: germline.
Comment: This sequence change affects codon 877 of the KCNT1 mRNA. It is a 'silent' change, meaning that it does not change the encoded amino acid sequence of the KCNT1 protein. This variant is present in population databases (rs761157491, gnomAD 0.003%). This variant has not been reported in the literature in individuals affected with KCNT1-related conditions. Algorithms developed to predict the effect of sequence changes on RNA splicing suggest that this variant may create or strengthen a splice site. In summary, the available evidence is currently insufficient to determine the role of this variant in disease. Therefore, it has been classified as a Variant of Uncertain Significance.

NM_020822.3(KCNT1):c.2631G>A (p.Ala877=)

Gene: KCNT1 (potassium sodium-activated channel subfamily T member 1; plus strand). Cytogenetic location: 9q34.3.
Variant type: single nucleotide variant.
Coding change: c.2631G>A on transcript NM_020822.3 (MANE Select); coding-DNA position 2631, G replaced by A.
Protein change: p.Ala877=; no amino-acid change (alanine 877 retained).
Molecular consequence: synonymous variant.
Genome position (GRCh38, 1-based): chr9:135,778,724, G>A. VCF-style: chr9-135778724-G-A. GRCh37 (hg19) VCF-style: chr9-138670570-G-A.
Other names: c.2496G>A, p.Ala832= (NM_001272003.2).
Identifiers: ClinVar variation 2196599 (VCV002196599.4), dbSNP rs761157491, ClinGen allele CA5327378.